The following is an entry in ClinVar:

ClinVar aggregate classification (germline): Uncertain significance (1 of 4 stars; one submission).

Allele frequency attached by ClinVar (database versions not stated): gnomAD exomes below 0.00001.
gnomAD v4.1: 1 of 1,614,092 alleles (0.000062%); highest among the groups gnomAD compares: Non-Finnish European, 0.000085%; no homozygotes.

Submission:

Ambry Genetics
Classification: Uncertain significance. Last evaluated: 2023-07-27. Review status: criteria provided, single submitter. Criteria: Ambry Variant Classification Scheme 2023. Collection method: clinical testing. Allele origin: germline.
Comment: The p.L1662F variant (also known as c.4984C>T), located in coding exon 44 of the KIF1B gene, results from a C to T substitution at nucleotide position 4984. The leucine at codon 1662 is replaced by phenylalanine, an amino acid with highly similar properties. This amino acid position is conserved. In addition, the in silico prediction for this alteration is inconclusive. Since supporting evidence is limited at this time, the clinical significance of this alteration remains unclear.

NM_001365951.3(KIF1B):c.5122C>T (p.Leu1708Phe)

Gene: KIF1B (kinesin family member 1B; plus strand). Cytogenetic location: 1p36.22.
Variant type: single nucleotide variant.
Coding change: c.5122C>T on transcript NM_001365951.3 (MANE Select); coding-DNA position 5122, C replaced by T.
Protein change: p.Leu1708Phe; replaces leucine 1708 with phenylalanine.
Molecular consequence: missense variant.
Genome position (GRCh38, 1-based): chr1:10,374,879, C>T. VCF-style: chr1-10374879-C-T. GRCh37 (hg19) VCF-style: chr1-10434937-C-T.
Other names: c.5122C>T, p.Leu1708Phe (NM_001365952.1); c.4984C>T, p.Leu1662Phe (NM_015074.3); short protein forms L1662F, L1708F.
Identifiers: ClinVar variation 2625055 (VCV002625055.2), dbSNP rs2521982268, ClinGen allele CA338330287.